The following is an entry in ClinVar:

NM_015346.4(ZFYVE26):c.112C>T (p.Gln38Ter)

Gene: ZFYVE26 (zinc finger FYVE-type containing 26; minus strand). Cytogenetic location: 14q24.1.
Variant type: single nucleotide variant.
Coding change: c.112C>T on transcript NM_015346.4 (MANE Select); coding-DNA position 112, C replaced by T.
Protein change: p.Gln38Ter; replaces glutamine 38 with a stop codon.
Molecular consequence: nonsense.
Genome position (GRCh38, 1-based): chr14:67,815,852, G>A on the plus strand (C>T on the coding strand, the complement: ZFYVE26 is on the minus strand). VCF-style: chr14-67815852-G-A. GRCh37 (hg19) VCF-style: chr14-68282569-G-A.
Other names: short protein forms Q38*.
Identifiers: ClinVar variation 1457283 (VCV001457283.6), dbSNP rs2140260878, ClinGen allele CA390164587.

ClinVar aggregate classification (germline): Pathogenic (1 of 4 stars; one submission).

Conditions:
Spastic paraplegia. Identifiers: MedGen C0037772, HP:0001258.

Submission:

Labcorp Genetics (formerly Invitae), Labcorp
Classification: Pathogenic for Spastic paraplegia. Last evaluated: 2021-07-03. Review status: criteria provided, single submitter. Criteria: Invitae Variant Classification Sherloc (09022015). Collection method: clinical testing. Allele origin: germline.
Comment: For these reasons, this variant has been classified as Pathogenic. This variant has not been reported in the literature in individuals affected with ZFYVE26-related conditions. This variant is not present in population databases (ExAC no frequency). This sequence change creates a premature translational stop signal (p.Gln38*) in the ZFYVE26 gene. It is expected to result in an absent or disrupted protein product. Loss-of-function variants in ZFYVE26 are known to be pathogenic (PMID: 18394578, 19805727).

Literature cited by the submitters: PubMed 18394578; PubMed 19805727.